The following is an entry in ClinVar:

ClinVar aggregate classification (germline): Likely pathogenic (1 of 4 stars; one submission).

Conditions:
Heterotopia, periventricular, X-linked dominant (PVNH1). Also called: X-linked periventricular heterotopia; PERIVENTRICULAR NODULAR HETEROTOPIA 1; PERIVENTRICULAR NODULAR HETEROTOPIA 4; HETEROTOPIA, PERIVENTRICULAR, 1. Identifiers: Orphanet 2149, Orphanet 82004, MedGen C1848213, MONDO:0010233, OMIM 300049.

Submission:

Institute of Human Genetics, University of Leipzig Medical Center
Classification: Likely pathogenic for Heterotopia, periventricular, X-linked dominant. Last evaluated: 2022-06-08. Review status: criteria provided, single submitter. Criteria: ACMG Guidelines, 2015. Collection method: clinical testing. Allele origin: maternal. Affected: yes.
Comment: _x000D_ Criteria applied: PVS1, PM2_SUP

NM_001110556.2(FLNA):c.2401_2402insCT (p.Gln801fs)

Gene: FLNA (filamin A; minus strand). Cytogenetic location: Xq28.
Variant type: Insertion.
Coding change: c.2401_2402insCT on transcript NM_001110556.2 (MANE Select); coding-DNA positions 2401 to 2402, CT inserted.
Protein change: p.Gln801fs; shifts the reading frame from glutamine 801.
Molecular consequence: frameshift variant.
Genome position: GRCh38 VCF-style: chrX-154362663-T-TAG. GRCh37 (hg19) VCF-style: chrX-153591031-T-TAG.
Other names: c.2401_2402insCT, p.Gln801fs (NM_001456.4); short protein forms Q801fs.
Identifiers: ClinVar variation 1697309 (VCV001697309.1), dbSNP rs2148114607, ClinGen allele CA2580101776.